The following is an entry in ClinVar:

ClinVar aggregate classification (germline): Uncertain significance (1 of 4 stars; one submission).

Conditions:
Bloom syndrome (BLM). Also called: Bloom-Torre-Machacek syndrome. Identifiers: Orphanet 125, MedGen C0005859, MONDO:0008876, OMIM 210900.

Submission:

Labcorp Genetics (formerly Invitae), Labcorp
Classification: Uncertain significance for Bloom syndrome. Last evaluated: 2021-02-14. Review status: criteria provided, single submitter. Criteria: Invitae Variant Classification Sherloc (09022015). Collection method: clinical testing. Allele origin: germline.
Comment: In summary, the available evidence is currently insufficient to determine the role of this variant in disease. Therefore, it has been classified as a Variant of Uncertain Significance. Algorithms developed to predict the effect of missense changes on protein structure and function are either unavailable or do not agree on the potential impact of this missense change (SIFT: "Deleterious"; PolyPhen-2: "Probably Damaging"; Align-GVGD: "Class C0"). This variant has not been reported in the literature in individuals with BLM-related conditions. This variant is not present in population databases (ExAC no frequency). This sequence change replaces glutamic acid with glycine at codon 1031 of the BLM protein (p.Glu1031Gly). The glutamic acid residue is highly conserved and there is a moderate physicochemical difference between glutamic acid and glycine.

NM_000057.4(BLM):c.3092A>G (p.Glu1031Gly)

Gene: BLM (BLM RecQ like helicase; plus strand). Cytogenetic location: 15q26.1.
Variant type: single nucleotide variant.
Coding change: c.3092A>G on transcript NM_000057.4 (MANE Select); coding-DNA position 3092, A replaced by G.
Protein change: p.Glu1031Gly; replaces glutamic acid 1031 with glycine.
Molecular consequence: missense variant.
Genome position (GRCh38, 1-based): chr15:90,794,239, A>G. VCF-style: chr15-90794239-A-G. GRCh37 (hg19) VCF-style: chr15-91337469-A-G.
Other names: c.3092A>G, p.Glu1031Gly (NM_001287246.2, NM_001287247.2); c.1967A>G, p.Glu656Gly (NM_001287248.2); short protein forms E1031G, E656G.
Identifiers: ClinVar variation 1523874 (VCV001523874.8), dbSNP rs2151187263, ClinGen allele CA393846816.